The following is an entry in ClinVar:

ClinVar aggregate classification (germline): Uncertain significance. Review status: criteria provided, multiple submitters, no conflicts (2 of 4 stars). 3 submissions from 3 submitters: Uncertain significance (3). Last evaluated 2025-07-31.

Conditions:
Inborn genetic diseases. Identifiers: MedGen C0950123, MeSH D030342.

Allele frequency attached by ClinVar (database versions not stated): 1000 Genomes Project 30x 0.00031; gnomAD exomes 0.00003 and 0.00010; gnomAD 0.00005 and 0.00006; TOPMed 0.00007; ExAC 0.00009; 1000 Genomes Project 0.00020.
gnomAD v4.1: 51 of 1,614,000 alleles (0.0032%); highest among the groups gnomAD compares: East Asian, 0.069%; no homozygotes.

Submissions (3):

Ambry Genetics
Classification: Uncertain significance for Inborn genetic diseases. Last evaluated: 2025-07-31. Review status: criteria provided, single submitter. Criteria: Ambry Variant Classification Scheme 2023. Collection method: clinical testing. Allele origin: germline.

GeneDx
Classification: Uncertain significance. Last evaluated: 2024-11-20. Review status: criteria provided, single submitter. Criteria: GeneDx Variant Classification Process June 2021. Collection method: clinical testing. Allele origin: germline. Affected: yes.
Comment: Has not been previously published as pathogenic or benign to our knowledge; In silico analysis supports that this missense variant has a deleterious effect on protein structure/function

Labcorp Genetics (formerly Invitae), Labcorp
Classification: Uncertain significance. Last evaluated: 2023-06-11. Review status: criteria provided, single submitter. Criteria: Invitae Variant Classification Sherloc (09022015). Collection method: clinical testing. Allele origin: germline.
Comment: In summary, the available evidence is currently insufficient to determine the role of this variant in disease. Therefore, it has been classified as a Variant of Uncertain Significance. Experimental studies and prediction algorithms are not available or were not evaluated, and the functional significance of this variant is currently unknown. ClinVar contains an entry for this variant (Variation ID: 432944). This variant has not been reported in the literature in individuals affected with LTBP4-related conditions. This variant is present in population databases (rs532885786, gnomAD 0.1%). This sequence change replaces arginine, which is basic and polar, with tryptophan, which is neutral and slightly polar, at codon 1019 of the LTBP4 protein (p.Arg1019Trp).

NM_001042545.2(LTBP4):c.2965C>T (p.Arg989Trp)

Gene: LTBP4 (latent transforming growth factor beta binding protein 4; plus strand). Cytogenetic location: 19q13.2.
Variant type: single nucleotide variant.
Coding change: c.2965C>T on transcript NM_001042545.2 (MANE Select); coding-DNA position 2965, C replaced by T.
Protein change: p.Arg989Trp; replaces arginine 989 with tryptophan.
Molecular consequence: missense variant.
Genome position (GRCh38, 1-based): chr19:40,617,120, C>T. VCF-style: chr19-40617120-C-T. GRCh37 (hg19) VCF-style: chr19-41123026-C-T.
Other names: c.3166C>T, p.Arg1056Trp (NM_001042544.1); c.3055C>T, p.Arg1019Trp (NM_003573.2); short protein forms R1019W, R1056W, R989W.
Identifiers: ClinVar variation 432944 (VCV000432944.9), dbSNP rs532885786, ClinGen allele CA9448859.